The following is an entry in ClinVar:

NM_001130987.2(DYSF):c.5459G>A (p.Gly1820Glu)

Gene: DYSF (dysferlin; plus strand). Cytogenetic location: 2p13.2.
Variant type: single nucleotide variant.
Coding change: c.5459G>A on transcript NM_001130987.2 (MANE Select); coding-DNA position 5459, G replaced by A.
Protein change: p.Gly1820Glu; replaces glycine 1820 with glutamic acid.
Molecular consequence: missense variant.
Genome position (GRCh38, 1-based): chr2:71,668,755, G>A. VCF-style: chr2-71668755-G-A. GRCh37 (hg19) VCF-style: chr2-71895885-G-A.
Other names: c.5345G>A, p.Gly1782Glu (NM_001130455.2); c.5300G>A, p.Gly1767Glu (NM_001130976.2); c.5363G>A, p.Gly1788Glu (NM_001130977.2); c.5405G>A, p.Gly1802Glu (NM_001130978.2); c.5435G>A, p.Gly1812Glu (NM_001130979.2); c.5393G>A, p.Gly1798Glu (NM_001130980.2); c.5456G>A, p.Gly1819Glu (NM_001130981.2); c.5438G>A, p.Gly1813Glu (NM_001130982.2); and 5 more; short protein forms G1781E, G1820E, G1768E, G1782E, G1789E, G1798E, G1819E, G1788E.
Identifiers: ClinVar variation 282202 (VCV000282202.7), dbSNP rs886042341, ClinGen allele CA10604103.
Genomic context (GRCh38, chr2:71,668,755, plus strand): 5'-GCTTGGTAACAGCTGGTTAAATGAGAAGGGTGGGGAGAGAACGGACCCTGTCTCCGCAGG[G>A]GAAGCTGCAGATGTGGGTCGACCTATTTCCGAAGGCCCTGGGGCGGCCTGGACCTCCCTT-3'
Protein context (NP_001124459.1, residues 1810-1830): YSPLQPDIEQ[Gly1820Glu]KLQMWVDLFP

ClinVar aggregate classification (germline): Conflicting classifications of pathogenicity. Review status: criteria provided, conflicting classifications (1 of 4 stars). 3 submissions from 3 submitters: Likely pathogenic (1); Uncertain significance (2). Last evaluated 2026-08-24.

Conditions:
Autosomal recessive limb-girdle muscular dystrophy. Identifiers: Orphanet 102015, MedGen C2931907, MONDO:0015152.
Autosomal recessive limb-girdle muscular dystrophy type 2B (LGMDR2). Also called: MUSCULAR DYSTROPHY, LIMB-GIRDLE, TYPE 3; Limb-Girdle Muscular Dystrophy Type 2B (LGMD2B); MUSCULAR DYSTROPHY, LIMB-GIRDLE, AUTOSOMAL RECESSIVE 2; Limb-girdle muscular dystrophy, type 2B. Identifiers: Orphanet 268, MedGen C1850889, MONDO:0009676, OMIM 253601.

Submissions (3):

Myriad Genetics, Inc.
Classification: Uncertain significance for Autosomal recessive limb-girdle muscular dystrophy. Last evaluated: 2026-08-24. Review status: criteria provided, single submitter. Criteria: Myriad Autosomal Dominant, Autosomal Recessive and X-Linked Classification Criteria (2023). Collection method: clinical testing. Allele origin: unknown.
Comment: NM_003494.3(DYSF):c.5342G>A(G1781E) is a missense variant classified as a variant of uncertain significance in the context of dysferlinopathy. G1781E has been observed in cases with relevant disease (PMID: 41315541, 30564623). Relevant functional assessments of this variant are available in the literature (PMID: 39678382). G1781E has not been observed in referenced population frequency databases. In summary, there is insufficient evidence to classify NM_003494.3(DYSF):c.5342G>A(G1781E) as pathogenic or benign. Please note: this variant was assessed in the context of healthy population screening.

Kariminejad - Najmabadi Pathology & Genetics Center
Classification: Likely pathogenic for Autosomal recessive limb-girdle muscular dystrophy type 2B. Last evaluated: 2023-08-16. Review status: criteria provided, single submitter. Criteria: ACMG Guidelines, 2015. Collection method: clinical testing. Allele origin: germline. Inheritance: Autosomal recessive inheritance. Affected: yes.
Comment: PM2_moderate,PP3_moderate,PP4_moderate

Eurofins Ntd Llc (ga)
Classification: Uncertain significance. Last evaluated: 2015-07-31. Review status: criteria provided, single submitter. Criteria: EGL Classification Definitions 2015. Collection method: clinical testing. Allele origin: germline. Observed: 1 variant allele, 1 heterozygote.

Literature cited by the submitters: PubMed 30564623 (cited by Myriad Genetics, Inc.); PubMed 39678382 (cited by Myriad Genetics, Inc.); PubMed 41315541 (cited by Myriad Genetics, Inc.).